The following is an entry in ClinVar:

NM_016247.4(IMPG2):c.2485G>A (p.Asp829Asn)

Gene: IMPG2 (interphotoreceptor matrix proteoglycan 2; minus strand). Cytogenetic location: 3q12.3.
Variant type: single nucleotide variant.
Coding change: c.2485G>A on transcript NM_016247.4 (MANE Select); coding-DNA position 2485, G replaced by A.
Protein change: p.Asp829Asn; replaces aspartic acid 829 with asparagine.
Molecular consequence: missense variant.
Genome position (GRCh38, 1-based): chr3:101,243,846, C>T on the plus strand (G>A on the coding strand, the complement: IMPG2 is on the minus strand). VCF-style: chr3-101243846-C-T. GRCh37 (hg19) VCF-style: chr3-100962690-C-T.
Other names: short protein forms D829N.
Identifiers: ClinVar variation 1432700 (VCV001432700.10), dbSNP rs754615164, ClinGen allele CA2518968.

ClinVar aggregate classification (germline): Uncertain significance. Review status: criteria provided, multiple submitters, no conflicts (2 of 4 stars). 5 submissions from 5 submitters: Uncertain significance (4). 1 of the submissions does not count toward it. Last evaluated 2024-08-10.

Conditions:
Inborn genetic diseases. Identifiers: MedGen C0950123, MeSH D030342.
Retinal dystrophy. Also called: Inherited retinal dystrophy. Identifiers: Orphanet 71862, MedGen C0854723, MeSH D058499, MONDO:0019118, HP:0000556.

Allele frequency attached by ClinVar (database versions not stated): gnomAD exomes 0.00001; ExAC 0.00002; gnomAD 0.00003; TOPMed 0.00003.
gnomAD v4.1: 22 of 1,614,032 alleles (0.0014%); highest among the groups gnomAD compares: Non-Finnish European, 0.0019%; no homozygotes.

Submissions (5):

Ambry Genetics
Classification: Uncertain significance for Inborn genetic diseases. Last evaluated: 2024-08-10. Review status: criteria provided, single submitter. Criteria: Ambry Variant Classification Scheme 2023. Collection method: clinical testing. Allele origin: germline.

Blueprint Genetics
Classification: Uncertain significance. Last evaluated: 2024-03-23. Review status: criteria provided, single submitter. Criteria: ACMG Guidelines, 2015. Collection method: clinical testing. Allele origin: germline.

Labcorp Genetics (formerly Invitae), Labcorp
Classification: Uncertain significance. Last evaluated: 2022-08-22. Review status: criteria provided, single submitter. Criteria: Invitae Variant Classification Sherloc (09022015). Collection method: clinical testing. Allele origin: germline.
Comment: This variant is present in population databases (rs754615164, gnomAD 0.0009%). This sequence change replaces aspartic acid, which is acidic and polar, with asparagine, which is neutral and polar, at codon 829 of the IMPG2 protein (p.Asp829Asn). This variant has not been reported in the literature in individuals affected with IMPG2-related conditions. ClinVar contains an entry for this variant (Variation ID: 1432700). Algorithms developed to predict the effect of missense changes on protein structure and function are either unavailable or do not agree on the potential impact of this missense change (SIFT: "Deleterious"; PolyPhen-2: "Possibly Damaging"; Align-GVGD: "Class C0"). In summary, the available evidence is currently insufficient to determine the role of this variant in disease. Therefore, it has been classified as a Variant of Uncertain Significance.

GeneDx
Classification: Uncertain significance. Last evaluated: 2022-05-20. Review status: criteria provided, single submitter. Criteria: GeneDx Variant Classification Process June 2021. Collection method: clinical testing. Allele origin: germline. Affected: yes.
Comment: In silico analysis supports that this missense variant has a deleterious effect on protein structure/function; Has not been previously published as pathogenic or benign to our knowledge

Institute of Human Genetics, Univ. Regensburg, Univ. Regensburg
Classification: Uncertain significance for Retinal dystrophy. Last evaluated: 2023-01-01. Review status: no assertion criteria provided. Criteria: ACMG Guidelines, 2015. Collection method: clinical testing. Allele origin: germline. Affected: yes. Not counted in ClinVar's aggregate classification.